The following is an entry in ClinVar:

ClinVar aggregate classification (germline): Uncertain significance (1 of 4 stars; one submission).

gnomAD v4.1: 1 of 1,614,176 alleles (0.000062%); highest among the groups gnomAD compares: South Asian, 0.0011%; no homozygotes.

Submission:

Labcorp Genetics (formerly Invitae), Labcorp
Classification: Uncertain significance. Last evaluated: 2025-06-04. Review status: criteria provided, single submitter. Criteria: Invitae Variant Classification Sherloc (09022015). Collection method: clinical testing. Allele origin: germline.
Comment: This sequence change replaces threonine, which is neutral and polar, with proline, which is neutral and non-polar, at codon 357 of the POLE protein (p.Thr357Pro). This variant is not present in population databases (gnomAD no frequency). This variant has not been reported in the literature in individuals affected with POLE-related conditions. Invitae Evidence Modeling of protein sequence and biophysical properties (such as structural, functional, and spatial information, amino acid conservation, physicochemical variation, residue mobility, and thermodynamic stability) indicates that this missense variant is not expected to disrupt POLE protein function with a negative predictive value of 80%. In summary, the available evidence is currently insufficient to determine the role of this variant in disease. Therefore, it has been classified as a Variant of Uncertain Significance.

NM_006231.4(POLE):c.1069A>C (p.Thr357Pro)

Gene: POLE (DNA polymerase epsilon, catalytic subunit; minus strand). Cytogenetic location: 12q24.33.
Variant type: single nucleotide variant.
Coding change: c.1069A>C on transcript NM_006231.4 (MANE Select); coding-DNA position 1069, A replaced by C.
Protein change: p.Thr357Pro; replaces threonine 357 with proline.
Molecular consequence: missense variant.
Genome position (GRCh38, 1-based): chr12:132,675,772, T>G on the plus strand (A>C on the coding strand, the complement: POLE is on the minus strand). VCF-style: chr12-132675772-T-G. GRCh37 (hg19) VCF-style: chr12-133252358-T-G.
Other names: short protein forms T357P.
Identifiers: ClinVar variation 4707213 (VCV004707213.1).